The following is an entry in ClinVar:

NM_000353.3(TAT):c.1178C>T (p.Thr393Met)

Genes: TAT (tyrosine aminotransferase; minus strand), TAT-AS1 (TAT antisense RNA 1; plus strand). Cytogenetic location: 16q22.2.
Variant type: single nucleotide variant.
Coding change: c.1178C>T on transcript NM_000353.3 (MANE Select); coding-DNA position 1178, C replaced by T.
Protein change: p.Thr393Met; replaces threonine 393 with methionine.
Molecular consequence: missense variant.
Genome position (GRCh38, 1-based): chr16:71,568,757, G>A on the plus strand (C>T on the coding strand, the complement: TAT is on the minus strand). VCF-style: chr16-71568757-G-A. GRCh37 (hg19) VCF-style: chr16-71602660-G-A.
Other names: short protein forms T393M.
Identifiers: ClinVar variation 965652 (VCV000965652.3), dbSNP rs142634310, ClinGen allele CA8153757.

ClinVar aggregate classification (germline): Uncertain significance (1 of 4 stars; one submission).

Conditions:
Tyrosinemia type II (TYRSN2). Also called: KERATOSIS PALMOPLANTARIS WITH CORNEAL DYSTROPHY; OREGON TYPE TYROSINEMIA; TAT DEFICIENCY; TYROSINE AMINOTRANSFERASE DEFICIENCY; TYROSINE TRANSAMINASE DEFICIENCY. Identifiers: Orphanet 28378, MedGen C0268487, MONDO:0010160, OMIM 276600.

Allele frequency attached by ClinVar (database versions not stated): TOPMed 0.00004; gnomAD 0.00009; ESP Exome Variant Server 0.00023.
gnomAD v4.1: 107 of 1,613,840 alleles (0.0066%); highest among the groups gnomAD compares: Non-Finnish European, 0.0084%; no homozygotes.

Submission:

Labcorp Genetics (formerly Invitae), Labcorp
Classification: Uncertain significance for Tyrosinemia type II. Last evaluated: 2021-08-13. Review status: criteria provided, single submitter. Criteria: Invitae Variant Classification Sherloc (09022015). Collection method: clinical testing. Allele origin: germline.
Comment: This sequence change replaces threonine with methionine at codon 393 of the TAT protein (p.Thr393Met). The threonine residue is moderately conserved and there is a moderate physicochemical difference between threonine and methionine. This variant is present in population databases (rs142634310, ExAC 0.01%). This variant has not been reported in the literature in individuals affected with TAT-related conditions. Algorithms developed to predict the effect of missense changes on protein structure and function are either unavailable or do not agree on the potential impact of this missense change (SIFT: "Deleterious"; PolyPhen-2: "Possibly Damaging"; Align-GVGD: "Class C0"). In summary, the available evidence is currently insufficient to determine the role of this variant in disease. Therefore, it has been classified as a Variant of Uncertain Significance.